The following is an entry in ClinVar:

NC_000013.10:g.(?_32890592)_(32890670_?)del

Gene: BRCA2 (BRCA2 DNA repair associated; plus strand). Cytogenetic location: 13q13.1.
Variant type: Deletion.
Identifiers: ClinVar variation 1073948 (VCV001073948.1).

ClinVar aggregate classification (germline): Pathogenic (1 of 4 stars; one submission).

Conditions:
Hereditary breast ovarian cancer syndrome. Also called: Hereditary breast and ovarian cancer syndrome (HBOC); Hereditary breast and/or ovarian cancer syndrome; Hereditary breast and ovarian cancer; BRCA1- and BRCA2-Associated Hereditary Breast and Ovarian Cancer; Hereditary breast and ovarian cancer syndrome; Breast and ovarian cancer. Identifiers: Orphanet 145, MedGen C0677776, MeSH D061325, MONDO:0003582. Disease mechanism: loss of function.

Submission:

Labcorp Genetics (formerly Invitae), Labcorp
Classification: Pathogenic for Hereditary breast ovarian cancer syndrome. Last evaluated: 2018-01-23. Review status: criteria provided, single submitter. Criteria: Invitae Variant Classification Sherloc (09022015). Collection method: clinical testing. Allele origin: germline.
Comment: This variant is a gross deletion of the genomic region encompassing exon 2 of the BRCA2 gene, which includes the initiator codon. The 5' end of this event is unknown as it extends beyond the assayed region for this gene and therefore may encompass additional genes. The 3' boundary is likely confined to intron 2 of the BRCA2 gene. This is expected to result in an absent or disrupted protein product. A similar gross deletion of BRCA2 exon 2 has been reported in a relatively large percentage (~1.8%) of Spanish families with hereditary breast and/or ovarian cancer (PMID: 17063271), and has also been reported in families with male breast cancer (PMID: 26026974). This deletion removes exon 2 and the canonical translation initiation codon from the BRCA2 mRNA. It is therefore predicted to result in an absent protein product. In addition, four different variants involving the canonical initiation codon (c.2T>A, c.2T>C, c.2T>G, and c.3G>A) have been reported in patients with hereditary breast and/or ovarian cancer (PMID: 24607278, 24156927, 14647210, 18182601), indicating that this start site is critical for translation of a functional BRCA2 protein. For these reasons, this variant has been classified as Pathogenic.

Literature cited by the submitters: PubMed 17063271; PubMed 26026974; PubMed 24607278; PubMed 24156927; PubMed 14647210; PubMed 18182601.